The following is an entry in ClinVar:

ClinVar aggregate classification (germline): Uncertain significance (1 of 4 stars; one submission).

Submission:

Labcorp Genetics (formerly Invitae), Labcorp
Classification: Uncertain significance. Last evaluated: 2022-08-23. Review status: criteria provided, single submitter. Criteria: Invitae Variant Classification Sherloc (09022015). Collection method: clinical testing. Allele origin: germline.
Comment: This variant has not been reported in the literature in individuals affected with ASAH1-related conditions. In summary, the available evidence is currently insufficient to determine the role of this variant in disease. Therefore, it has been classified as a Variant of Uncertain Significance. Algorithms developed to predict the effect of missense changes on protein structure and function are either unavailable or do not agree on the potential impact of this missense change (SIFT: "Deleterious"; PolyPhen-2: "Benign"; Align-GVGD: "Class C0"). ClinVar contains an entry for this variant (Variation ID: 1450698). This variant is not present in population databases (gnomAD no frequency). This sequence change replaces proline, which is neutral and non-polar, with leucine, which is neutral and non-polar, at codon 184 of the ASAH1 protein (p.Pro184Leu).

NM_177924.5(ASAH1):c.551C>T (p.Pro184Leu)

Gene: ASAH1 (N-acylsphingosine amidohydrolase 1; minus strand). Cytogenetic location: 8p22.
Variant type: single nucleotide variant.
Coding change: c.551C>T on transcript NM_177924.5 (MANE Select); coding-DNA position 551, C replaced by T.
Protein change: p.Pro184Leu; replaces proline 184 with leucine.
Molecular consequence: missense variant.
Genome position (GRCh38, 1-based): chr8:18,062,376, G>A on the plus strand (C>T on the coding strand, the complement: ASAH1 is on the minus strand). VCF-style: chr8-18062376-G-A. GRCh37 (hg19) VCF-style: chr8-17919885-G-A.
Other names: c.533C>T, p.Pro178Leu (NM_001127505.3); c.356C>T, p.Pro119Leu (NM_001363743.2); c.599C>T, p.Pro200Leu (NM_004315.6); short protein forms P184L, P200L, P178L, P119L.
Identifiers: ClinVar variation 1450698 (VCV001450698.6), dbSNP rs540913734, ClinGen allele CA370430151.